The following is an entry in ClinVar:

ClinVar aggregate classification (germline): Likely pathogenic (1 of 4 stars; one submission).

Conditions:
Fanconi anemia (FA). Also called: Fanconi's anemia. Identifiers: Orphanet 84, MedGen C0015625, MeSH D005199, MONDO:0019391.

gnomAD v4.1: 1 of 1,612,100 alleles (0.000062%); highest among the groups gnomAD compares: Non-Finnish European, 0.000085%; no homozygotes.

Submission:

Labcorp Genetics (formerly Invitae), Labcorp
Classification: Likely pathogenic for Fanconi anemia. Last evaluated: 2025-12-03. Review status: criteria provided, single submitter. Criteria: Invitae Variant Classification Sherloc (09022015). Collection method: clinical testing. Allele origin: germline.
Comment: This sequence change affects a donor splice site in intron 7 of the FANCL gene. It is expected to disrupt RNA splicing. Variants that disrupt the donor or acceptor splice site typically lead to a loss of protein function (PMID: 16199547), and loss-of-function variants in FANCL are known to be pathogenic (PMID: 19405097, 23613520). This variant is not present in population databases (gnomAD no frequency). This variant has not been reported in the literature in individuals affected with FANCL-related conditions. Algorithms developed to predict the effect of sequence changes on RNA splicing suggest that this variant may disrupt the consensus splice site. In summary, the currently available evidence indicates that the variant is pathogenic, but additional data are needed to prove that conclusively. Therefore, this variant has been classified as Likely Pathogenic.

Literature cited by the submitters: PubMed 16199547; PubMed 19405097; PubMed 23613520.

NM_018062.4(FANCL):c.540+1G>A

Gene: FANCL (FA complementation group L; minus strand). Cytogenetic location: 2p16.1.
Variant type: single nucleotide variant.
Coding change: c.540+1G>A on transcript NM_018062.4 (MANE Select); the canonical splice donor site of the intron after coding-DNA position 540, G replaced by A.
Molecular consequence: splice donor variant. On other transcripts: missense variant (3), non-coding transcript variant (1), intron variant (1).
Genome position (GRCh38, 1-based): chr2:58,198,593, C>T on the plus strand (G>A on the coding strand, the complement: FANCL is on the minus strand). VCF-style: chr2-58198593-C-T. GRCh37 (hg19) VCF-style: chr2-58425728-C-T.
Other names: c.541G>A, p.Val181Ile (NM_001114636.2, NM_001410792.1, NM_001438890.1); c.97-32719G>A (NM_001438892.1); c.540+1G>A (NM_001438891.1, NM_001374615.1, NM_001438889.1); short protein forms V181I.
Identifiers: ClinVar variation 4705270 (VCV004705270.1).